The following is an entry in ClinVar:

NM_001135649.3(FOXI3):c.148G>C (p.Ala50Pro)

Gene: FOXI3 (forkhead box I3; minus strand). Cytogenetic location: 2p11.2.
Variant type: single nucleotide variant.
Coding change: c.148G>C on transcript NM_001135649.3 (MANE Select); coding-DNA position 148, G replaced by C.
Protein change: p.Ala50Pro; replaces alanine 50 with proline.
Molecular consequence: missense variant.
Genome position (GRCh38, 1-based): chr2:88,452,388, C>G on the plus strand (G>C on the coding strand, the complement: FOXI3 is on the minus strand). VCF-style: chr2-88452388-C-G. GRCh37 (hg19) VCF-style: chr2-88751906-C-G.
Other names: c.148G>C (NM_001135649.2); short protein forms A50P.
Identifiers: ClinVar variation 1062261 (VCV001062261.34), dbSNP rs550296238, ClinGen allele CA1754053.

ClinVar aggregate classification (germline): Likely benign. Review status: criteria provided, multiple submitters, no conflicts (2 of 4 stars). 4 submissions from 4 submitters: Likely benign (3). 1 of the submissions does not count toward it. Last evaluated 2026-07-01.

Conditions:
FOXI3-related disorder. Also called: FOXI3-related condition.

Allele frequency attached by ClinVar (database versions not stated): 1000 Genomes Project 0.00040; 1000 Genomes Project 30x 0.00172; gnomAD 0.00384 and 0.00409; TOPMed 0.00434.
gnomAD v4.1: 5,890 of 990,070 alleles (0.59%); highest among the groups gnomAD compares: Admixed American, 0.75%; 21 homozygotes.

Submissions (4):

CeGaT Center for Human Genetics Tuebingen
Classification: Likely benign. Last evaluated: 2026-07-01. Review status: criteria provided, single submitter. Criteria: CeGaT Center For Human Genetics Tuebingen Variant Classification Criteria Version 2. Collection method: clinical testing. Allele origin: germline. Affected: yes. Observed: 5 variant alleles.
Comment: FOXI3: PP3, BS2

Labcorp Genetics (formerly Invitae), Labcorp
Classification: Likely benign. Last evaluated: 2026-02-02. Review status: criteria provided, single submitter. Criteria: Invitae Variant Classification Sherloc (09022015). Collection method: clinical testing. Allele origin: germline.

Breakthrough Genomics
Classification: Likely benign. Review status: criteria provided, single submitter. Criteria: ACMG Guidelines, 2015. Collection method: not provided. Allele origin: germline. Inheritance: Unknown mechanism. Affected: yes.

PreventionGenetics, part of Exact Sciences
Classification: Likely benign for FOXI3-related condition. Last evaluated: 2023-06-16. Review status: no assertion criteria provided. Collection method: clinical testing. Allele origin: germline. Not counted in ClinVar's aggregate classification.
Comment: This variant is classified as likely benign based on ACMG/AMP sequence variant interpretation guidelines (Richards et al. 2015 PMID: 25741868, with internal and published modifications).